The following is an entry in ClinVar:

ClinVar aggregate classification (germline): Uncertain significance (1 of 4 stars; one submission).

Conditions:
Hereditary hyperekplexia. Identifiers: Orphanet 3197, MedGen C4084968, MONDO:0021022.

gnomAD v4.1: 1 of 1,613,526 alleles (0.000062%); highest among the groups gnomAD compares: Non-Finnish European, 0.000085%; no homozygotes.

Submission:

Labcorp Genetics (formerly Invitae), Labcorp
Classification: Uncertain significance for Hereditary hyperekplexia. Last evaluated: 2024-07-30. Review status: criteria provided, single submitter. Criteria: Invitae Variant Classification Sherloc (09022015). Collection method: clinical testing. Allele origin: germline.
Comment: This sequence change replaces lysine, which is basic and polar, with asparagine, which is neutral and polar, at codon 406 of the GLRA1 protein (p.Lys406Asn). This variant is not present in population databases (gnomAD no frequency). This variant has not been reported in the literature in individuals affected with GLRA1-related conditions. ClinVar contains an entry for this variant (Variation ID: 2090091). Advanced modeling of protein sequence and biophysical properties (such as structural, functional, and spatial information, amino acid conservation, physicochemical variation, residue mobility, and thermodynamic stability) performed at Invitae indicates that this missense variant is not expected to disrupt GLRA1 protein function with a negative predictive value of 80%. In summary, the available evidence is currently insufficient to determine the role of this variant in disease. Therefore, it has been classified as a Variant of Uncertain Significance.

NM_000171.4(GLRA1):c.1218A>C (p.Lys406Asn)

Gene: GLRA1 (glycine receptor alpha 1; minus strand). Cytogenetic location: 5q33.1.
Variant type: single nucleotide variant.
Coding change: c.1218A>C on transcript NM_000171.4 (MANE Select); coding-DNA position 1218, A replaced by C.
Protein change: p.Lys406Asn; replaces lysine 406 with asparagine.
Molecular consequence: missense variant.
Genome position (GRCh38, 1-based): chr5:151,822,805, T>G on the plus strand (A>C on the coding strand, the complement: GLRA1 is on the minus strand). VCF-style: chr5-151822805-T-G. GRCh37 (hg19) VCF-style: chr5-151202366-T-G.
Other names: c.1242A>C, p.Lys414Asn (NM_001146040.2); c.969A>C, p.Lys323Asn (NM_001292000.2); short protein forms K323N, K406N, K414N.
Identifiers: ClinVar variation 2090091 (VCV002090091.4), dbSNP rs2479886774, ClinGen allele CA361849904.
Genomic context (GRCh38, chr5:151,822,805, plus strand): 5'-GGCCATGGGGAAGCCAATGCGGGATATTTTGTCGATCTTCTTGGCCCTCTGGATGAAGAG[T>G]TTTCGCATCTCCTCTGGGGACTTAGATGGTGCAGGAGGGGGGTTGGTGGTGTTACTGTTG-3'
Protein context (NP_000162.2, residues 396-416): APSKSPEEMR[Lys406Asn]LFIQRAKKID